The following is an entry in ClinVar:

NM_000124.4(ERCC6):c.390G>T (p.Glu130Asp)

Gene: ERCC6 (ERCC excision repair 6, chromatin remodeling factor; minus strand). Cytogenetic location: 10q11.23.
Variant type: single nucleotide variant.
Coding change: c.390G>T on transcript NM_000124.4 (MANE Select); coding-DNA position 390, G replaced by T.
Protein change: p.Glu130Asp; replaces glutamic acid 130 with aspartic acid.
Molecular consequence: missense variant.
Genome position (GRCh38, 1-based): chr10:49,532,575, C>A on the plus strand (G>T on the coding strand, the complement: ERCC6 is on the minus strand). VCF-style: chr10-49532575-C-A. GRCh37 (hg19) VCF-style: chr10-50740621-C-A.
Other names: c.390G>T, p.Glu130Asp (NM_001277058.2, NM_001277059.2, NM_001346440.2); short protein forms E130D.
Identifiers: ClinVar variation 1716944 (VCV001716944.5), dbSNP rs2496173092, ClinGen allele CA376712005.
Genomic context (GRCh38, chr10:49,532,575, plus strand): 5'-TGAAAGGAAGAAGATGGGCTGCACTCACGTGAGGTCATCCAGGACCGACCGATACTCCTT[C>A]TCCACGTCAACGAGCTGGGAGGCACGGCTGGCCTCATGGATGGCATTGTCCACCTGCTGA-3'
Protein context (NP_000115.1, residues 120-140): ASRASQLVDV[Glu130Asp]KEYRSVLDDL

ClinVar aggregate classification (germline): Uncertain significance (1 of 4 stars; one submission).

Submission:

Labcorp Genetics (formerly Invitae), Labcorp
Classification: Uncertain significance. Last evaluated: 2022-10-17. Review status: criteria provided, single submitter. Criteria: Invitae Variant Classification Sherloc (09022015). Collection method: clinical testing. Allele origin: germline.
Comment: In summary, the available evidence is currently insufficient to determine the role of this variant in disease. Therefore, it has been classified as a Variant of Uncertain Significance. Advanced modeling of protein sequence and biophysical properties (such as structural, functional, and spatial information, amino acid conservation, physicochemical variation, residue mobility, and thermodynamic stability) performed at Invitae indicates that this missense variant is not expected to disrupt ERCC6 protein function. This variant has not been reported in the literature in individuals affected with ERCC6-related conditions. This variant is not present in population databases (gnomAD no frequency). This sequence change replaces glutamic acid, which is acidic and polar, with aspartic acid, which is acidic and polar, at codon 130 of the ERCC6 protein (p.Glu130Asp).